The following is an entry in ClinVar:

ClinVar aggregate classification (germline): Uncertain significance (1 of 4 stars; one submission).

Submission:

CeGaT Center for Human Genetics Tuebingen
Classification: Uncertain significance. Last evaluated: 2026-04-01. Review status: criteria provided, single submitter. Criteria: CeGaT Center For Human Genetics Tuebingen Variant Classification Criteria Version 2. Collection method: clinical testing. Allele origin: germline. Affected: yes. Observed: 1 variant allele.
Comment: TRPM3: PM2, PS2:Supporting

NM_001366145.2(TRPM3):c.398T>A (p.Leu133His)

Gene: TRPM3 (transient receptor potential cation channel subfamily M member 3; minus strand). Cytogenetic location: 9q21.12.
Variant type: single nucleotide variant.
Coding change: c.398T>A on transcript NM_001366145.2 (MANE Select); coding-DNA position 398, T replaced by A.
Protein change: p.Leu133His; replaces leucine 133 with histidine.
Molecular consequence: missense variant. On other transcripts: 5 prime UTR variant (9).
Genome position (GRCh38, 1-based): chr9:70,862,972, A>T on the plus strand (T>A on the coding strand, the complement: TRPM3 is on the minus strand). VCF-style: chr9-70862972-A-T. GRCh37 (hg19) VCF-style: chr9-73477888-A-T.
Other names: c.-62T>A (NM_001007470.3, NM_001366154.2, NM_020952.6 and 6 more transcripts); c.398T>A, p.Leu133His (NM_001007471.4, NM_001366146.2, NM_001366147.2 and 6 more transcripts); c.404T>A, p.Leu135His (NM_001366141.2, NM_001366142.2, NM_001366143.2 and 1 more transcripts); short protein forms L133H, L135H.
Identifiers: ClinVar variation 4874728 (VCV004874728.2).